The following is an entry in ClinVar:

ClinVar aggregate classification (germline): Pathogenic/Likely pathogenic. Review status: criteria provided, multiple submitters, no conflicts (2 of 4 stars). 14 submissions from 14 submitters: Pathogenic (9); Likely pathogenic (2). 3 of the submissions do not count toward it. Last evaluated 2026-05-19.

Conditions:
ACY1-related disorder. Also called: ACY1-related condition.
Aminoacylase 1 deficiency. Also called: Neurological conditions associated with aminoacylase 1 deficiency. Identifiers: Orphanet 137754, MedGen C1835922, MONDO:0012368, OMIM 609924.
ABHD14A-ACY1 & ACY1-related disorders.
Inborn genetic diseases. Identifiers: MedGen C0950123, MeSH D030342.

Allele frequency attached by ClinVar (database versions not stated): ESP Exome Variant Server 0.00008; ExAC 0.00009; gnomAD exomes 0.00012 and 0.00025; gnomAD 0.00014; TOPMed 0.00017.

Submissions (14):

Ambry Genetics
Classification: Pathogenic for Inborn genetic diseases. Last evaluated: 2026-05-19. Review status: criteria provided, single submitter. Criteria: Ambry Variant Classification Scheme 2023. Collection method: clinical testing. Allele origin: germline.
Comment: The c.575dupG (p.S192Rfs*64) alteration, located in exon 8 (coding exon 7) of the ACY1 gene, consists of a duplication of G at position 575, causing a translational frameshift with a predicted alternate stop codon after 64 amino acids. This variant is expected to result in loss of function by premature protein truncation or nonsense-mediated mRNA decay. Based on data from gnomAD, the GG allele has an overall frequency of 0.013% (37/282706) total alleles studied. The highest observed frequency was 0.024% (31/129168) of European (non-Finnish) alleles. Based on the available evidence, this alteration is classified as pathogenic.

GeneDx
Classification: Likely pathogenic. Last evaluated: 2025-08-27. Review status: criteria provided, single submitter. Criteria: GeneDx Variant Classification Process June 2021. Collection method: clinical testing. Allele origin: germline. Affected: yes.
Comment: Frameshift variant predicted to result in protein truncation or nonsense mediated decay in a gene for which loss of function is a known mechanism of disease; This variant is associated with the following publications: (PMID: 34426522, 31980526, Michel2024[preprint], 24367280, 29653693, 35112591, 24997716)

First Genomix Gene Laboratory, Genetic Diagnostics Department
Classification: Pathogenic for Aminoacylase 1 deficiency. Last evaluated: 2025-08-04. Review status: criteria provided, single submitter. Criteria: ACMG Guidelines, 2015. Collection method: clinical testing. Allele origin: germline. Inheritance: Autosomal recessive inheritance. Affected: no. Observed: 1 variant allele.

Genomic Medicine Center of Excellence, King Faisal Specialist Hospital and Research Centre
Classification: Pathogenic for Aminoacylase 1 deficiency. Last evaluated: 2024-12-19. Review status: criteria provided, single submitter. Criteria: ACMG Guidelines, 2015. Collection method: clinical testing. Allele origin: germline.

Blueprint Genetics
Classification: Likely pathogenic for ABHD14A-ACY1 & ACY1-related disorders. Last evaluated: 2024-11-14. Review status: criteria provided, single submitter. Criteria: ACMG Guidelines, 2015. Collection method: clinical testing. Allele origin: germline. Affected: yes. Observed: 5 variant alleles.

Labcorp Genetics (formerly Invitae), Labcorp
Classification: Pathogenic. Last evaluated: 2024-06-25. Review status: criteria provided, single submitter. Criteria: Invitae Variant Classification Sherloc (09022015). Collection method: clinical testing. Allele origin: germline.
Comment: This sequence change creates a premature translational stop signal (p.Ser192Argfs*64) in the ACY1 gene. It is expected to result in an absent or disrupted protein product. Loss-of-function variants in ACY1 are known to be pathogenic (PMID: 16465618, 21414403, 24997716). This variant is present in population databases (rs770702363, gnomAD 0.03%). This premature translational stop signal has been observed in individual(s) with aminoacylase 1 deficiency (PMID: 24997716, 31980526). ClinVar contains an entry for this variant (Variation ID: 800812). For these reasons, this variant has been classified as Pathogenic.

Women's Health and Genetics/Laboratory Corporation of America, LabCorp
Classification: Pathogenic for Aminoacylase 1 deficiency. Last evaluated: 2024-04-26. Review status: criteria provided, single submitter. Criteria: LabCorp Variant Classification Summary - May 2015. Collection method: clinical testing. Allele origin: germline.
Comment: Variant summary: ACY1 c.575dupG (p.Ser192ArgfsX64) results in a premature termination codon, predicted to cause a truncation of the encoded protein or absence of the protein due to nonsense mediated decay, which are commonly known mechanisms for disease. Loss of function variants in ACY1 gene are an established mechanism of disease. The variant allele was found at a frequency of 0.00012 in 251334 control chromosomes. c.575dupG has been reported in the literature as a biallelic compound heterozygous genotype in at-least one individual affected with Aminoacylase 1 Deficiency (example, Alessandr_2014). The following publications have been ascertained in the context of this evaluation (PMID: 24997716, 31980526). ClinVar contains an entry for this variant (Variation ID: 800812). Based on the evidence outlined above, the variant was classified as pathogenic.

Fulgent Genetics
Classification: Pathogenic for Aminoacylase 1 deficiency. Last evaluated: 2021-08-26. Review status: criteria provided, single submitter. Criteria: ACMG Guidelines, 2015. Collection method: clinical testing. Allele origin: unknown.

CeGaT Center for Human Genetics Tuebingen
Classification: Pathogenic. Last evaluated: 2020-04-01. Review status: criteria provided, single submitter. Criteria: CeGaT Center For Human Genetics Tuebingen Variant Classification Criteria Version 2. Collection method: clinical testing. Allele origin: germline. Affected: yes. Observed: 3 variant alleles.

Mayo Clinic Laboratories, Mayo Clinic
Classification: Pathogenic. Last evaluated: 2019-04-07. Review status: criteria provided, single submitter. Criteria: ACMG Guidelines, 2015. Collection method: clinical testing. Allele origin: germline. Observed: 1 variant allele.
Comment: PVS1, PS3, PM2, PM3, PP4

Lifecell International Pvt. Ltd
Classification: Pathogenic for Aminoacylase 1 deficiency. Review status: criteria provided, single submitter. Criteria: ACMG Guidelines, 2015. Collection method: clinical testing. Allele origin: germline. Inheritance: Autosomal recessive inheritance. Affected: yes. Observed: 1 homozygote.
Comment: A Homozygote Frameshift variant c.574_575insG in Exon 8 of the ACY1 gene was identified. The variant is predicted to cause a frameshift and consequent premature termination of the protein (p.Ser192fs*64). The observed variant has a minor allele frequency of 0.00012% in gnomAD exomes and genomes, respectively. The severity of the impact of this variant on the protein is high, based on the effect of the protein and REVEL score . Rare Exome Variant Ensemble Learner (REVEL) is an ensembl method for predicting the pathogenicity of missense variants based on a combination of scores from 13 individual tools: MutPred, FATHMM v2.3, VEST 3.0, PolyPhen-2, SIFT, PROVEAN, MutationAssessor, MutationTaster, LRT, GERP++, SiPhy, phyloP, and phastCons. The REVEL score for an individual missense variant can range from 0 to 1, with higher scores reflecting greater likelihood that the variant is disease-causing. The variant was found in ClinVar (Variant ID :800812) with a classification of Pathogenic and a review status of (2 star) criteria provided, multiple submitters, no conflicts. The variant has been previously reported in patients with ACY1D (Alessandrì MG et al.,2014). Based on the above evidence this variant has been classified as Pathogenic according to the ACMG guidelines.

PreventionGenetics, part of Exact Sciences
Classification: Pathogenic for ACY1-related condition. Last evaluated: 2024-04-03. Review status: no assertion criteria provided. Collection method: clinical testing. Allele origin: germline. Not counted in ClinVar's aggregate classification.
Comment: The ACY1 c.575dupG variant is predicted to result in a frameshift and premature protein termination (p.Ser192Argfs*64). This variant has been reported in the compound heterozygous state in individuals with aminoacylase I deficiency (Alessandrì et al. 2014. PubMed ID: 24997716; Hou et al. 2020. PubMed ID: 31980526). This variant is reported in 0.024% of alleles in individuals of European (Non-Finnish) descent in gnomAD. Frameshift variants in ACY1 are expected to be pathogenic and this variant has been listed as pathogenic by multiple independent submitters to the ClinVar database. Given the evidence, this variant is interpreted as pathogenic.

Clinical Laboratory Sciences Program (CLSP), King Saud bin Abdulaziz University for Health Sciences (KSAU-HS)
Classification: Pathogenic for Aminoacylase 1 deficiency. Last evaluated: 2023-04-01. Review status: no assertion criteria provided. Collection method: clinical testing. Allele origin: germline. Affected: yes. Not counted in ClinVar's aggregate classification.

Biochemical Molecular Genetic Laboratory, King Abdulaziz Medical City
Classification: Pathogenic for Aminoacylase 1 deficiency. Last evaluated: 2019-08-25. Review status: no assertion criteria provided. Collection method: clinical testing. Allele origin: germline. Affected: yes. Not counted in ClinVar's aggregate classification.

Literature cited by the submitters: PubMed 16465618 (cited by Labcorp Genetics (formerly Invitae), Labcorp); PubMed 21414403 (cited by Labcorp Genetics (formerly Invitae), Labcorp); PubMed 24997716 (cited by 4 submitters); PubMed 31980526 (cited by Labcorp Genetics (formerly Invitae), Labcorp and Women's Health and Genetics/Laboratory Corporation of America, LabCorp); PubMed 29653693 (cited by Mayo Clinic Laboratories, Mayo Clinic).

NM_000666.3(ACY1):c.575dup (p.Ser192fs)

Genes: ABHD14A-ACY1 (ABHD14A-ACY1 readthrough; plus strand), ACY1 (aminoacylase 1; plus strand). Cytogenetic location: 3p21.2.
Variant type: Duplication.
Coding change: c.575dup on transcript NM_000666.3 (MANE Select); coding-DNA position 575, one base duplicated (G; older notation c.575dupG).
Protein change: p.Ser192fs; shifts the reading frame from serine 192.
Molecular consequence: frameshift variant.
Genome position (GRCh38, 1-based): chr3:51,986,653, G duplicated. VCF-style (leftmost placement, unchanged base first): chr3-51986652-A-AG. GRCh37 (hg19) VCF-style: chr3-52020668-A-AG.
Other names: c.575dupG (NM_000666.2, NM_000666.3); c.845dup, p.Ser282fs (NM_001316331.2); c.575dup, p.Ser192fs (NM_001198895.2, NM_001198897.2); c.359dup, p.Ser120fs (NM_001198896.2); c.470dup, p.Ser157fs (NM_001198898.2); c.574_575insG (NM_000666.3); short protein forms S282fs, S120fs, S192fs, S157fs.
Identifiers: ClinVar variation 800812 (VCV000800812.72), dbSNP rs770702363, ClinGen allele CA2428544.